The following is an entry in ClinVar:

ClinVar aggregate classification (germline): Uncertain significance (1 of 4 stars; one submission).

Conditions:
Inborn genetic diseases. Identifiers: MedGen C0950123, MeSH D030342.

Submission:

Ambry Genetics
Classification: Uncertain significance for Inborn genetic diseases. Last evaluated: 2025-03-25. Review status: criteria provided, single submitter. Criteria: Ambry Variant Classification Scheme 2023. Collection method: clinical testing. Allele origin: germline.
Comment: The p.N442S variant (also known as c.1325A>G), located in coding exon 10 of the BMPR2 gene, results from an A to G substitution at nucleotide position 1325. The asparagine at codon 442 is replaced by serine, an amino acid with highly similar properties. This amino acid position is conserved. In addition, the in silico prediction for this alteration is inconclusive. Based on the available evidence, the clinical significance of this variant remains unclear.

NM_001204.7(BMPR2):c.1325A>G (p.Asn442Ser)

Gene: BMPR2 (bone morphogenetic protein receptor type 2; plus strand). Cytogenetic location: 2q33.2.
Variant type: single nucleotide variant.
Coding change: c.1325A>G on transcript NM_001204.7 (MANE Select); coding-DNA position 1325, A replaced by G.
Protein change: p.Asn442Ser; replaces asparagine 442 with serine.
Molecular consequence: missense variant.
Genome position (GRCh38, 1-based): chr2:202,542,359, A>G. VCF-style: chr2-202542359-A-G. GRCh37 (hg19) VCF-style: chr2-203407082-A-G.
Other names: short protein forms N442S.
Identifiers: ClinVar variation 3992063 (VCV003992063.1).
Genomic context (GRCh38, chr2:202,542,359, plus strand): 5'-ACAAATCCACAGGGGAATCCGTACCAGAGTACCAGATGGCTTTTCAGACAGAGGTTGGAA[A>G]CCATCCCACTTTTGAGGATATGCAGGTTCTCGTGTCTAGGGAAAAACAGAGACCCAAGTT-3'
Protein context (NP_001195.2, residues 432-452): YQMAFQTEVG[Asn442Ser]HPTFEDMQVL